The following is an entry in ClinVar:

ClinVar aggregate classification (germline): Uncertain significance (1 of 4 stars; one submission).

Submission:

GeneDx
Classification: Uncertain significance. Last evaluated: 2026-07-09. Review status: criteria provided, single submitter. Criteria: GeneDx Variant Classification Process June 2021. Collection method: clinical testing. Allele origin: germline.
Comment: Not observed at significant frequency in large population cohorts (gnomAD); In silico analysis supports that this missense variant has a deleterious effect on protein structure/function; Has not been previously published as pathogenic or benign to our knowledge; This substitution is predicted to be within the N-terminal cytoplasmic domain

NM_001165963.4(SCN1A):c.128A>C (p.Asp43Ala)

Gene: SCN1A (sodium voltage-gated channel alpha subunit 1; minus strand). Cytogenetic location: 2q24.3.
Variant type: single nucleotide variant.
Coding change: c.128A>C on transcript NM_001165963.4 (MANE Select); coding-DNA position 128, A replaced by C.
Protein change: p.Asp43Ala; replaces aspartic acid 43 with alanine.
Molecular consequence: missense variant. On other transcripts: 5 prime UTR variant (1), non-coding transcript variant (1).
Genome position (GRCh38, 1-based): chr2:166,073,494, T>G on the plus strand (A>C on the coding strand, the complement: SCN1A is on the minus strand). VCF-style: chr2-166073494-T-G. GRCh37 (hg19) VCF-style: chr2-166930004-T-G.
Other names: c.128A>C, p.Asp43Ala (NM_001165964.3, NM_001202435.3, NM_001353948.2 and 10 more transcripts); c.-2298A>C (NM_001353961.2); short protein forms D43A.
Identifiers: ClinVar variation 4686927 (VCV004686927.2).